The following is an entry in ClinVar:

ClinVar aggregate classification (germline): Uncertain significance (1 of 4 stars; one submission).

Submission:

GeneDx
Classification: Uncertain significance. Last evaluated: 2025-01-16. Review status: criteria provided, single submitter. Criteria: GeneDx Variant Classification Process June 2021. Collection method: clinical testing. Allele origin: germline. Affected: yes.
Comment: Not observed at significant frequency in large population cohorts (gnomAD); In silico analysis indicates that this missense variant does not alter protein structure/function; Has not been previously published as pathogenic or benign to our knowledge

NM_001287491.2(TET3):c.5264A>C (p.Gln1755Pro)

Gene: TET3 (tet methylcytosine dioxygenase 3; plus strand). Cytogenetic location: 2p13.1.
Variant type: single nucleotide variant.
Coding change: c.5264A>C on transcript NM_001287491.2 (MANE Select); coding-DNA position 5264, A replaced by C.
Protein change: p.Gln1755Pro; replaces glutamine 1755 with proline.
Molecular consequence: missense variant.
Genome position (GRCh38, 1-based): chr2:74,102,052, A>C. VCF-style: chr2-74102052-A-C. GRCh37 (hg19) VCF-style: chr2-74329179-A-C.
Other names: c.4985A>C, p.Gln1662Pro (NM_001366022.1); short protein forms Q1662P, Q1755P.
Identifiers: ClinVar variation 3373605 (VCV003373605.2).